The following is an entry in ClinVar:

NM_000090.4(COL3A1):c.*2C>T

Gene: COL3A1 (collagen type III alpha 1 chain; plus strand). Cytogenetic location: 2q32.2.
Variant type: single nucleotide variant.
Coding change: c.*2C>T on transcript NM_000090.4 (MANE Select); 2 bases downstream of the stop codon, C replaced by T.
Molecular consequence: 3 prime UTR variant.
Genome position (GRCh38, 1-based): chr2:189,011,776, C>T. VCF-style: chr2-189011776-C-T. GRCh37 (hg19) VCF-style: chr2-189876502-C-T.
Identifiers: ClinVar variation 3386504 (VCV003386504.1).

ClinVar aggregate classification (germline): Uncertain significance (1 of 4 stars; one submission).

Conditions:
Ehlers-Danlos syndrome, type 4 (EDSVASC). Also called: Ehlers-Danlos syndrome vascular type; Ehlers Danlos syndrome, ecchymotic type; Ehlers Danlos syndrome, arterial type; Ehlers Danlos syndrome, Sack-Barabas type; Ehlers-Danlos Syndrome Type IV. Identifiers: Orphanet 286, MedGen C0268338, MONDO:0017314, OMIM 130050.

Submission:

All of Us Research Program, National Institutes of Health
Classification: Uncertain significance for Ehlers-Danlos syndrome, type 4. Last evaluated: 2024-03-24. Review status: criteria provided, single submitter. Criteria: ACMG Guidelines, 2015. Collection method: clinical testing. Allele origin: germline. Inheritance: Autosomal dominant inheritance. Observed: 1 variant allele, 1 heterozygote.
Comment: This variant is located in the 3' untranslated region of the COL3A1 gene. To our knowledge, functional studies have not been reported for this variant. This variant has not been reported in individuals affected with COL3A1-related disorders in the literature. This variant has not been identified in the general population by the Genome Aggregation Database (gnomAD). The available evidence is insufficient to determine the role of this variant in disease conclusively. Therefore, this variant is classified as a Variant of Uncertain Significance.

This study involves interpretation of variants in research participants for the purpose of population health screening. Participant phenotype was not available at the time of variant classification. Additional details can be found in publication PMID: 35346344, PMCID: PMC8962531